The following is an entry in ClinVar:

ClinVar aggregate classification (germline): Uncertain significance (1 of 4 stars; one submission).

Submission:

Labcorp Genetics (formerly Invitae), Labcorp
Classification: Uncertain significance. Last evaluated: 2023-10-12. Review status: criteria provided, single submitter. Criteria: Invitae Variant Classification Sherloc (09022015). Collection method: clinical testing. Allele origin: germline.
Comment: This sequence change replaces alanine, which is neutral and non-polar, with valine, which is neutral and non-polar, at codon 80 of the UROD protein (p.Ala80Val). This variant is not present in population databases (gnomAD no frequency). This variant has not been reported in the literature in individuals affected with UROD-related conditions. Advanced modeling of protein sequence and biophysical properties (such as structural, functional, and spatial information, amino acid conservation, physicochemical variation, residue mobility, and thermodynamic stability) performed at Invitae indicates that this missense variant is expected to disrupt UROD protein function. This variant disrupts the p.Ala80 amino acid residue in UROD. Other variant(s) that disrupt this residue have been determined to be pathogenic (PMID: 11069625, 11202053, 11719352). This suggests that this residue is clinically significant, and that variants that disrupt this residue are likely to be disease-causing. In summary, the available evidence is currently insufficient to determine the role of this variant in disease. Therefore, it has been classified as a Variant of Uncertain Significance.

Literature cited by the submitters: PubMed 11069625; PubMed 11202053; PubMed 11719352.

NM_000374.5(UROD):c.239C>T (p.Ala80Val)

Gene: UROD (uroporphyrinogen decarboxylase; plus strand). Cytogenetic location: 1p34.1.
Variant type: single nucleotide variant.
Coding change: c.239C>T on transcript NM_000374.5 (MANE Select); coding-DNA position 239, C replaced by T.
Protein change: p.Ala80Val; replaces alanine 80 with valine.
Molecular consequence: missense variant. On other transcripts: non-coding transcript variant (3).
Genome position (GRCh38, 1-based): chr1:45,013,317, C>T. VCF-style: chr1-45013317-C-T. GRCh37 (hg19) VCF-style: chr1-45478989-C-T.
Other names: short protein forms A80V.
Identifiers: ClinVar variation 2767817 (VCV002767817.3), dbSNP rs776907084, ClinGen allele CA340117072.